The following is an entry in ClinVar:

ClinVar aggregate classification (germline): Likely benign. Review status: criteria provided, multiple submitters, no conflicts (2 of 4 stars). 3 submissions from 3 submitters: Likely benign (3). Last evaluated 2024-03-12.

Allele frequency attached by ClinVar (database versions not stated): gnomAD 0.00001; gnomAD exomes 0.00001 and 0.00002; TOPMed 0.00001; ExAC 0.00002.
gnomAD v4.1: 26 of 1,614,054 alleles (0.0016%); highest among the groups gnomAD compares: Middle Eastern, 0.016%; no homozygotes.

Submissions (3):

Labcorp Genetics (formerly Invitae), Labcorp
Classification: Likely benign. Last evaluated: 2024-03-12. Review status: criteria provided, single submitter. Criteria: Invitae Variant Classification Sherloc (09022015). Collection method: clinical testing. Allele origin: germline.

Blueprint Genetics
Classification: Likely benign. Last evaluated: 2022-10-25. Review status: criteria provided, single submitter. Criteria: ACMG Guidelines, 2015. Collection method: clinical testing. Allele origin: germline.

CeGaT Center for Human Genetics Tuebingen
Classification: Likely benign. Last evaluated: 2022-10-01. Review status: criteria provided, single submitter. Criteria: CeGaT Center For Human Genetics Tuebingen Variant Classification Criteria Version 2. Collection method: clinical testing. Allele origin: germline. Affected: yes. Observed: 1 variant allele.
Comment: C3: BP4, BP7

NM_000064.4(C3):c.3426C>T (p.Ala1142=)

Gene: C3 (complement C3; minus strand). Cytogenetic location: 19p13.3.
Variant type: single nucleotide variant.
Coding change: c.3426C>T on transcript NM_000064.4 (MANE Select); coding-DNA position 3426, C replaced by T.
Protein change: p.Ala1142=; no amino-acid change (alanine 1142 retained).
Molecular consequence: synonymous variant.
Genome position (GRCh38, 1-based): chr19:6,690,692, G>A on the plus strand (C>T on the coding strand, the complement: C3 is on the minus strand). VCF-style: chr19-6690692-G-A. GRCh37 (hg19) VCF-style: chr19-6690703-G-A.
Identifiers: ClinVar variation 1639175 (VCV001639175.32), dbSNP rs749973019, ClinGen allele CA9128733.